The following is an entry in ClinVar:

NM_005228.5(EGFR):c.827A>C (p.Gln276Pro)

Gene: EGFR (epidermal growth factor receptor; plus strand). Cytogenetic location: 7p11.2.
Variant type: single nucleotide variant.
Coding change: c.827A>C on transcript NM_005228.5 (MANE Select); coding-DNA position 827, A replaced by C.
Protein change: p.Gln276Pro; replaces glutamine 276 with proline.
Molecular consequence: missense variant. On other transcripts: intron variant (1).
Genome position (GRCh38, 1-based): chr7:55,154,090, A>C. VCF-style: chr7-55154090-A-C. GRCh37 (hg19) VCF-style: chr7-55221783-A-C.
Other names: c.692A>C, p.Gln231Pro (NM_001346897.2, NM_001346899.2); c.827A>C, p.Gln276Pro (NM_001346898.2, NM_201282.2, NM_201283.2 and 1 more transcripts); c.668A>C, p.Gln223Pro (NM_001346900.2); c.89-1740A>C (NM_001346941.2); short protein forms Q223P, Q231P, Q276P.
Identifiers: ClinVar variation 5035791 (VCV005035791.1).

ClinVar aggregate classification (germline): Uncertain significance (1 of 4 stars; one submission).

Conditions:
Hereditary cancer-predisposing syndrome. Also called: Hereditary Cancer Syndrome; Neoplastic Syndromes, Hereditary; Tumor predisposition; Hereditary neoplastic syndrome. Identifiers: Orphanet 140162, MedGen C0027672, MeSH D009386, MONDO:0015356.

Submission:

Ambry Genetics
Classification: Uncertain significance for Hereditary cancer-predisposing syndrome. Last evaluated: 2026-07-09. Review status: criteria provided, single submitter. Criteria: Ambry Variant Classification Scheme 2023. Collection method: clinical testing. Allele origin: germline.
Comment: The p.Q276P variant (also known as c.827A>C), located in coding exon 7 of the EGFR gene, results from an A to C substitution at nucleotide position 827. The glutamine at codon 276 is replaced by proline, an amino acid with similar properties. This amino acid position is conserved. In addition, this alteration is predicted to be deleterious by in silico analysis. Based on the available evidence, the clinical significance of this variant remains unclear.